The following is an entry in ClinVar:

ClinVar aggregate classification (germline): Likely benign (0 of 4 stars; one submission).

Conditions:
FAT3-related disorder. Also called: FAT3-related condition.

Allele frequency attached by ClinVar (database versions not stated): ESP Exome Variant Server 0.00008; TOPMed 0.00014; gnomAD 0.00017; 1000 Genomes Project 30x 0.00031; 1000 Genomes Project 0.00040.
gnomAD v4.1: 482 of 1,611,356 alleles (0.03%); highest among the groups gnomAD compares: South Asian, 0.36%; 5 homozygotes.

Submission:

PreventionGenetics, part of Exact Sciences
Classification: Likely benign for FAT3-related condition. Last evaluated: 2019-04-25. Review status: no assertion criteria provided. Collection method: clinical testing. Allele origin: germline.
Comment: This variant is classified as likely benign based on ACMG/AMP sequence variant interpretation guidelines (Richards et al. 2015 PMID: 25741868, with internal and published modifications).

NM_001367949.2(FAT3):c.8493C>T (p.Thr2831=)

Gene: FAT3 (FAT atypical cadherin 3; plus strand). Cytogenetic location: 11q14.3.
Variant type: single nucleotide variant.
Coding change: c.8493C>T on transcript NM_001367949.2 (MANE Select); coding-DNA position 8493, C replaced by T.
Protein change: p.Thr2831=; no amino-acid change (threonine 2831 retained).
Molecular consequence: synonymous variant.
Genome position (GRCh38, 1-based): chr11:92,801,506, C>T. VCF-style: chr11-92801506-C-T. GRCh37 (hg19) VCF-style: chr11-92534672-C-T.
Other names: c.8493C>T, p.Thr2831= (NM_001008781.3).
Identifiers: ClinVar variation 3042584 (VCV003042584.2), dbSNP rs369269637, ClinGen allele CA6227647.
Genomic context (GRCh38, chr11:92,801,506, plus strand): 5'-GCCAGTCTTTGAAACTTCAAGCTATGACACCATTATAATGGAAGGGATGCCTGTTGGCAC[C>T]AAACTCACACAAGTGAGAGCTATTGATATGGACTGGGGAGCCAATGGACAAGTCACTTAC-3'
Protein context (NP_001354878.1, residues 2821-2841): TIIMEGMPVG[Thr2831=]KLTQVRAIDM